The following is an entry in ClinVar:

ClinVar aggregate classification (germline): Pathogenic. Review status: criteria provided, multiple submitters, no conflicts (2 of 4 stars). 4 submissions from 4 submitters: Pathogenic (4). Last evaluated 2026-03-01.

Conditions:
Oculopharyngeal muscular dystrophy 1 (OPMD1). Identifiers: MedGen CN376802, MONDO:0958176, OMIM 164300.

Submissions (4):

CeGaT Center for Human Genetics Tuebingen
Classification: Pathogenic. Last evaluated: 2026-03-01. Review status: criteria provided, single submitter. Criteria: CeGaT Center For Human Genetics Tuebingen Variant Classification Criteria Version 2. Collection method: clinical testing. Allele origin: germline. Affected: yes. Observed: 6 variant alleles.
Comment: PABPN1: PM1:Strong, PS4, PM2, PM4

Labcorp Genetics (formerly Invitae), Labcorp
Classification: Pathogenic. Last evaluated: 2025-06-20. Review status: criteria provided, single submitter. Criteria: Invitae Variant Classification Sherloc (09022015). Collection method: clinical testing. Allele origin: germline.
Comment: This variant, c.18_23dup, results in the insertion of 2 amino acid(s) of the PABPN1 protein (p.Ala10_Ala11dup), but otherwise preserves the integrity of the reading frame. The frequency data for this variant in the population databases is considered unreliable, as metrics indicate poor data quality at this position in the gnomAD database. This variant has been observed in individual(s) with oculopharyngeal muscular dystrophy (PMID: 9462747, 27447704). Experimental studies and prediction algorithms are not available or were not evaluated, and the functional significance of this variant is currently unknown. This variant results in expansion of a poly-alanine tract in PABPN1. Expansions of the alanine tracts in PABPN1 have been observed in individuals with PABPN1-related conditions (PMID: 9462747, 15645184). For these reasons, this variant has been classified as Pathogenic.

GeneDx
Classification: Pathogenic. Last evaluated: 2018-05-24. Review status: criteria provided, single submitter. Criteria: GeneDx Variant Classification (06012015). Collection method: clinical testing. Allele origin: germline. Affected: yes.
Comment: The c.18_23dupGGCGGC pathogenic variant in the PABPN1 gene has been reported previously in individuals with oculopharyngeal muscular dystrophy in four families (Brais et al., 1998). This duplication is in the region of the polyalanine tract in exon 1, and other duplications nearby have been reported in the Human Gene Mutation Database in association with oculopharyngeal muscular dystrophy (Stenson et al., 2014). The c.18_23dupGGCGGC variant causes an in-frame duplication of 2 alanine residues, denoted p.Ala10_Ala11dup. The c.18_23dupGGCGGC variant was not observed in approximately 192 individuals of European and African American ancestry in the NHLBI Exome Sequencing Project, indicating it is not a common benign variant in these populations. We interpret c.18_23dupGGCGGC as a pathogenic variant.

Juno Genomics, Hangzhou Juno Genomics, Inc
Classification: Pathogenic for Oculopharyngeal muscular dystrophy 1. Review status: criteria provided, single submitter. Criteria: ACMG Guidelines, 2015. Collection method: clinical testing. Allele origin: germline.
Comment: Absent from controls (or at extremely low frequency if recessive) in Genome Aggregation Database.;The prevalence of the variant in affected individuals is significantly increased compared to the prevalence in controls.;Protein length changes due to in-frame deletions/insertions in a non-repeat region or stop-loss variants.;Located in a mutational hot spot and/or critical and well-established functional domain without benign variation.;Patient's phenotype or family history is highly specific for a disease with a single genetic etiology.

Literature cited by the submitters: PubMed 9462747 (cited by Labcorp Genetics (formerly Invitae), Labcorp); PubMed 27447704 (cited by Labcorp Genetics (formerly Invitae), Labcorp); PubMed 15645184 (cited by Labcorp Genetics (formerly Invitae), Labcorp).

NM_004643.4(PABPN1):c.3GGC[9] (p.Ala11_Gly12insAlaAla)

Genes: BCL2L2-PABPN1 (BCL2L2-PABPN1 readthrough; plus strand), PABPN1 (poly(A) binding protein nuclear 1; plus strand). Cytogenetic location: 14q11.2.
Variant type: Microsatellite.
Coding change: c.3GGC[9] on transcript NM_004643.4 (MANE Select); nine copies in a row of the 3-base unit GGC starting at c.3; the reference has seven copies in a row; two copies, 6 bases duplicated; also written c.18_23dup.
Protein change: p.Ala11_Gly12insAlaAla.
Molecular consequence: inframe insertion, initiator codon variant. On other transcripts: intron variant (8).
Genome position (GRCh38, 1-based): chr14:23,321,487-23,321,492, GGCGGC duplicated; duplicating any 6 consecutive bases within chr14:23,321,472-23,321,492 gives the same sequence; the position shown is the placement nearest the transcript's 3' end. VCF-style (leftmost placement, unchanged base first): chr14-23321471-T-TGGCGGC. GRCh37 (hg19) VCF-style: chr14-23790680-T-TGGCGGC.
Other names: c.18_23dup (NM_004643.4); c.3GGC[9], p.Ala11_Gly12insAlaAla (NM_001360551.3); c.529-709GGC[9] (NM_001387343.1, NM_001387342.1, NM_001387344.1 and 1 more transcripts); c.433-709GGC[9] (NM_001387345.1, NM_001387346.1, NM_001199864.3); c.550-709GGC[9] (NM_001387340.1); c.18_23dupGGCGGC (NM_004643.3).
Identifiers: ClinVar variation 280233 (VCV000280233.44), dbSNP rs193922941, ClinGen allele CA10603306.
Genomic context (GRCh38, chr14:23,321,471, plus strand): 5'-CTCGGCGTGGCCGGCGCAGCTCTCCAATCGCCGGGCGGCGGGCCCCAGTCTGAGCGGCGA[T>TGGCGGC]GGCGGCGGCGGCGGCGGCGGCAGCAGCAGCGGGGGCTGCGGGCGGTCGGGGCTCCGGGCC-3'